The following is an entry in ClinVar:

ClinVar aggregate classification (germline): Conflicting classifications of pathogenicity. Review status: criteria provided, conflicting classifications (1 of 4 stars). 3 submissions from 3 submitters: Likely pathogenic (1); Uncertain significance (1). 1 of the submissions does not count toward it. Last evaluated 2023-03-01.

Conditions:
Ehlers-Danlos syndrome, spondylodysplastic type, 2 (EDSSPD2). Also called: Ehlers-Danlos syndrome, progeroid type, 2. Identifiers: Orphanet 536467, Orphanet 75496, MedGen C3809210, MONDO:0014139, OMIM 615349.
Spondyloepimetaphyseal dysplasia with joint laxity (SEMDJL). Identifiers: MedGen C0432243, MONDO:0019675.

Allele frequency attached by ClinVar (database versions not stated): gnomAD exomes below 0.00001; gnomAD 0.00001; TOPMed 0.00002.

Submissions (3):

CeGaT Center for Human Genetics Tuebingen
Classification: Likely pathogenic. Last evaluated: 2023-03-01. Review status: criteria provided, single submitter. Criteria: CeGaT Center For Human Genetics Tuebingen Variant Classification Criteria Version 2. Collection method: clinical testing. Allele origin: germline. Affected: yes. Observed: 1 variant allele.
Comment: B3GALT6: PM2, PM3, PS3:Moderate, PP4

Labcorp Genetics (formerly Invitae), Labcorp
Classification: Uncertain significance for Ehlers-Danlos syndrome, spondylodysplastic type, 2; Spondyloepimetaphyseal dysplasia with joint laxity. Last evaluated: 2021-04-28. Review status: criteria provided, single submitter. Criteria: Invitae Variant Classification Sherloc (09022015). Collection method: clinical testing. Allele origin: germline.
Comment: In summary, the available evidence is currently insufficient to determine the role of this variant in disease. Therefore, it has been classified as a Variant of Uncertain Significance. Algorithms developed to predict the effect of missense changes on protein structure and function (SIFT, PolyPhen-2, Align-GVGD) all suggest that this variant is likely to be disruptive, but these predictions have not been confirmed by published functional studies and their clinical significance is uncertain. This variant has been observed in individual(s) with B3GALT6-related conditions ‚Äã(PMID: 29931299). ClinVar contains an entry for this variant (Variation ID: 624636) The frequency data for this variant in the population databases is considered unreliable, as metrics indicate insufficient coverage at this position in the ExAC database. This sequence change replaces tyrosine with cysteine at codon 182 of the B3GALT6 protein (p.Tyr182Cys). The tyrosine residue is highly conserved and there is a large physicochemical difference between tyrosine and cysteine.

OMIM
Classification: Pathogenic for EHLERS-DANLOS SYNDROME, SPONDYLODYSPLASTIC TYPE, 2. Last evaluated: 2019-03-29. Review status: no assertion criteria provided. Collection method: literature only. Allele origin: germline. Not counted in ClinVar's aggregate classification.

Literature cited by the submitters: PubMed 29931299 (cited by Labcorp Genetics (formerly Invitae), Labcorp and OMIM).

NM_080605.4(B3GALT6):c.545A>G (p.Tyr182Cys)

Gene: B3GALT6 (beta-1,3-galactosyltransferase 6; plus strand). Cytogenetic location: 1p36.33.
Variant type: single nucleotide variant.
Coding change: c.545A>G on transcript NM_080605.4 (MANE Select); coding-DNA position 545, A replaced by G.
Protein change: p.Tyr182Cys; replaces tyrosine 182 with cysteine.
Molecular consequence: missense variant.
Genome position (GRCh38, 1-based): chr1:1,232,823, A>G. VCF-style: chr1-1232823-A-G. GRCh37 (hg19) VCF-style: chr1-1168203-A-G.
Other names: B3GALT6, TYR182CYS; short protein forms Y182C.
Identifiers: ClinVar variation 624636 (VCV000624636.34), dbSNP rs1314046622, ClinGen allele CA337826471.